The following is an entry in ClinVar:

NM_020975.6(RET):c.3187+5A>C

Gene: RET (ret proto-oncogene; plus strand). Cytogenetic location: 10q11.21.
Variant type: single nucleotide variant.
Coding change: c.3187+5A>C on transcript NM_020975.6 (MANE Select); 5 bases into the intron after coding-DNA position 3187, A replaced by C.
Molecular consequence: intron variant. On other transcripts: missense variant (18).
Genome position (GRCh38, 1-based): chr10:43,126,727, A>C. VCF-style: chr10-43126727-A-C. GRCh37 (hg19) VCF-style: chr10-43622175-A-C.
Other names: c.2430A>C, p.Arg810Ser (NM_001355216.2); c.3063A>C, p.Arg1021Ser (NM_001406764.1); c.3057A>C, p.Arg1019Ser (NM_001406765.1); c.2928A>C, p.Arg976Ser (NM_001406768.1); c.2904A>C, p.Arg968Ser (NM_001406770.1); c.2796A>C, p.Arg932Ser (NM_001406772.1); c.2754A>C, p.Arg918Ser (NM_001406773.1); c.2667A>C, p.Arg889Ser (NM_001406774.1); and 10 more; short protein forms R1064S, R810S, R1021S, R581S, R822S, R918S, R968S, R669S.
Identifiers: ClinVar variation 947879 (VCV000947879.10), dbSNP rs1457645623, ClinGen allele CA376558574.

ClinVar aggregate classification (germline): Uncertain significance (1 of 4 stars; one submission).

Conditions:
Multiple endocrine neoplasia, type 2 (MEN2). Identifiers: Orphanet 653, MedGen C4048306, MONDO:0019003. Disease mechanism: gain of function.

Allele frequency attached by ClinVar (database versions not stated): gnomAD exomes below 0.00001.
gnomAD v4.1: 1 of 1,613,864 alleles (0.000062%); highest among the groups gnomAD compares: South Asian, 0.0011%; no homozygotes.

Submission:

Labcorp Genetics (formerly Invitae), Labcorp
Classification: Uncertain significance for Multiple endocrine neoplasia, type 2. Last evaluated: 2019-05-10. Review status: criteria provided, single submitter. Criteria: Invitae Variant Classification Sherloc (09022015). Collection method: clinical testing. Allele origin: germline.
Comment: This sequence change falls in intron 19 of the RET gene. It does not directly change the encoded amino acid sequence of the RET protein, but it affects a nucleotide within the consensus splice site of the intron. This variant is not present in population databases (ExAC no frequency). This variant has not been reported in the literature in individuals with RET-related conditions. Nucleotide substitutions within the consensus splice site are a relatively common cause of aberrant splicing (PMID: 17576681, 9536098). Algorithms developed to predict the effect of sequence changes on RNA splicing suggest that this variant may disrupt the consensus splice site, but this prediction has not been confirmed by published transcriptional studies. In summary, the available evidence is currently insufficient to determine the role of this variant in disease. Therefore, it has been classified as a Variant of Uncertain Significance.

Literature cited by the submitters: PubMed 17576681; PubMed 9536098.